The following is an entry in ClinVar:

ClinVar aggregate classification (germline): Likely benign. Review status: criteria provided, multiple submitters, no conflicts (2 of 4 stars). 3 submissions from 3 submitters: Likely benign (2). 1 of the submissions does not count toward it. Last evaluated 2024-11-15.

Conditions:
Familial thoracic aortic aneurysm and aortic dissection (TAAD). Also called: Thoracic aortic aneurysms and dissections. Identifiers: Orphanet 91387, MedGen C4707243, MONDO:0019625.
FBN2-related disorder. Also called: FBN2-related condition.

Submissions (3):

Blueprint Genetics
Classification: Likely benign. Last evaluated: 2024-11-15. Review status: criteria provided, single submitter. Criteria: ACMG Guidelines, 2015. Collection method: clinical testing. Allele origin: germline.

Ambry Genetics
Classification: Likely benign for Familial thoracic aortic aneurysm and aortic dissection. Last evaluated: 2016-05-16. Review status: criteria provided, single submitter. Criteria: Ambry Variant Classification Scheme 2023. Collection method: clinical testing. Allele origin: germline.

PreventionGenetics, part of Exact Sciences
Classification: Likely benign for FBN2-related condition. Last evaluated: 2019-09-17. Review status: no assertion criteria provided. Collection method: clinical testing. Allele origin: germline. Not counted in ClinVar's aggregate classification.
Comment: This variant is classified as likely benign based on ACMG/AMP sequence variant interpretation guidelines (Richards et al. 2015 PMID: 25741868, with internal and published modifications).

NM_001999.4(FBN2):c.150T>A (p.Ala50=)

Gene: FBN2 (fibrillin 2; minus strand). Cytogenetic location: 5q23.3.
Variant type: single nucleotide variant.
Coding change: c.150T>A on transcript NM_001999.4 (MANE Select); coding-DNA position 150, T replaced by A.
Protein change: p.Ala50=; no amino-acid change (alanine 50 retained).
Molecular consequence: synonymous variant.
Genome position (GRCh38, 1-based): chr5:128,537,454, A>T on the plus strand (T>A on the coding strand, the complement: FBN2 is on the minus strand). VCF-style: chr5-128537454-A-T. GRCh37 (hg19) VCF-style: chr5-127873147-A-T.
Identifiers: ClinVar variation 519818 (VCV000519818.8), dbSNP rs543546489, ClinGen allele CA446308946.